The following is an entry in ClinVar:

NM_020964.3(EPG5):c.1792+6C>T

Gene: EPG5 (ectopic P-granules 5 autophagy tethering factor; minus strand). Cytogenetic location: 18q21.1.
Variant type: single nucleotide variant.
Coding change: c.1792+6C>T on transcript NM_020964.3 (MANE Select); 6 bases into the intron after coding-DNA position 1792, C replaced by T.
Molecular consequence: intron variant.
Genome position (GRCh38, 1-based): chr18:45,943,999, G>A on the plus strand (C>T on the coding strand, the complement: EPG5 is on the minus strand). VCF-style: chr18-45943999-G-A. GRCh37 (hg19) VCF-style: chr18-43523965-G-A.
Identifiers: ClinVar variation 1403712 (VCV001403712.7), dbSNP rs2145912247, ClinGen allele CA2573155347.

ClinVar aggregate classification (germline): Uncertain significance (1 of 4 stars; one submission).

Conditions:
Vici syndrome (VICIS). Identifiers: Orphanet 1493, MedGen C1855772, MONDO:0009452, OMIM 242840.

Submission:

Labcorp Genetics (formerly Invitae), Labcorp
Classification: Uncertain significance for Vici syndrome. Last evaluated: 2021-02-18. Review status: criteria provided, single submitter. Criteria: Invitae Variant Classification Sherloc (09022015). Collection method: clinical testing. Allele origin: germline.
Comment: Nucleotide substitutions within the consensus splice site are a relatively common cause of aberrant splicing (PMID: 17576681, 9536098). Algorithms developed to predict the effect of sequence changes on RNA splicing suggest that this variant is not likely to affect RNA splicing, but this prediction has not been confirmed by published transcriptional studies. This sequence change falls in intron 8 of the EPG5 gene. It does not directly change the encoded amino acid sequence of the EPG5 protein. It affects a nucleotide within the consensus splice site of the intron. This variant is not present in population databases (ExAC no frequency). This variant has not been reported in the literature in individuals with EPG5-related conditions. In summary, the available evidence is currently insufficient to determine the role of this variant in disease. Therefore, it has been classified as a Variant of Uncertain Significance.

Literature cited by the submitters: PubMed 17576681; PubMed 9536098.